The following is an entry in ClinVar:

ClinVar aggregate classification (germline): Conflicting classifications of pathogenicity. Review status: criteria provided, conflicting classifications (1 of 4 stars). 9 submissions from 9 submitters: Uncertain significance (8); Likely benign (1). Last evaluated 2026-01-01.

Conditions:
Lynch syndrome. Identifiers: Orphanet 144, MedGen C4552100, MONDO:0005835. Disease mechanism: loss of function.
Hereditary breast ovarian cancer syndrome. Also called: Hereditary breast and ovarian cancer; Hereditary breast and/or ovarian cancer syndrome; BRCA1- and BRCA2-Associated Hereditary Breast and Ovarian Cancer; Hereditary breast and ovarian cancer syndrome; Hereditary breast and ovarian cancer syndrome (HBOC); Breast and ovarian cancer. Identifiers: Orphanet 145, MedGen C0677776, MeSH D061325, MONDO:0003582. Disease mechanism: loss of function.
Hereditary cancer-predisposing syndrome. Also called: Tumor predisposition; Hereditary Cancer Syndrome; Hereditary neoplastic syndrome; Neoplastic Syndromes, Hereditary. Identifiers: Orphanet 140162, MedGen C0027672, MeSH D009386, MONDO:0015356.
Hereditary nonpolyposis colorectal neoplasms. Identifiers: MedGen C0009405, MeSH D003123.
Lynch syndrome 5 (LYNCH5). Also called: Hereditary non-polyposis colorectal cancer, type 5; Colorectal cancer, hereditary nonpolyposis, type 5. Identifiers: Orphanet 144, MedGen C1833477, MONDO:0013710, OMIM 614350. Disease mechanism: loss of function.

Submissions (9):

Labcorp Genetics (formerly Invitae), Labcorp
Classification: Likely benign for Hereditary nonpolyposis colorectal neoplasms. Last evaluated: 2026-01-01. Review status: criteria provided, single submitter. Criteria: Invitae Variant Classification Sherloc (09022015). Collection method: clinical testing. Allele origin: germline.

German Consortium for Hereditary Breast and Ovarian Cancer, University Hospital Cologne
Classification: Uncertain significance for Hereditary breast ovarian cancer syndrome. Last evaluated: 2025-07-09. Review status: criteria provided, single submitter. Criteria: ClinGen MSH6 V1.0.0. Collection method: curation. Allele origin: germline.
Comment: This classification follows the ClinGen InSiGHT ACMG MSH6 v1.0.0 classification scheme; We chose these criteria: PM2 (supporting pathogenic): gnomAD v4.1 nfe 21 in 1179998 < 1/50,000, BP5 (supporting benign): this variant has been identified in multiple probands whose Lynch syndrome-associated tumors demonstrated normal mismatch repair protein expression by immunohistochemistry (IHC) (Ambry internal data; Haraldsdottir S et al. Nat Commun, 2017 05;8:14755)

Color Diagnostics, LLC DBA Color Health
Classification: Uncertain significance for Hereditary cancer-predisposing syndrome. Last evaluated: 2025-06-20. Review status: criteria provided, single submitter. Criteria: ACMG Guidelines, 2015. Collection method: clinical testing. Allele origin: germline.
Comment: This variant causes an in-frame duplication of one amino acid in exon 9 of the MSH6 protein. To our knowledge, functional studies have not been performed for this variant. This variant has been reported in individuals affected with Lynch syndrome-associated disease or suspected of Lynch syndrome (PMID: 24689082, 27601186, 28466842). However, several individuals affected with colorectal cancer had tumors \\ with normal mismatch repair protein expression by immunohistochemistry (IHC) (PMID: 28466842ClinVar:SCV000662367). This variant has been identified in 7/282272 chromosomes in the general population by the Genome Aggregation Database (gnomAD). The available evidence is insufficient to determine the role of this variant in disease conclusively. Therefore, this variant is classified as a Variant of Uncertain Significance.

Ambry Genetics
Classification: Uncertain significance for Hereditary cancer-predisposing syndrome. Last evaluated: 2025-05-22. Review status: criteria provided, single submitter. Criteria: Ambry Variant Classification Scheme 2023. Collection method: clinical testing. Allele origin: germline.
Comment: The c.3848_3850dupTTA variant (also known as p.I1283dup), located in coding exon 9 of the MSH6 gene, results from an in-frame duplication of TTA at nucleotide positions 3848 to 3850. This results in the duplication of an extra isoleucine residue at codon 1283. This alteration has been reported in multiple individuals with personal and/or family history consistent with Lynch syndrome (Lagerstedt-Robinson K et al. Oncol. Rep., 2016 Nov;36:2823-2835; Haraldsdottir S et al. Nat Commun, 2017 05;8:14755). However, this variant has been identified in multiple probands whose Lynch syndrome-associated tumors demonstrated normal mismatch repair protein expression by immunohistochemistry (IHC) (Ambry internal data; Haraldsdottir S et al. Nat Commun, 2017 05;8:14755). This amino acid position is highly conserved in available vertebrate species. In addition, this alteration is predicted to be deleterious by in silico analysis (Choi Y et al. PLoS ONE. 2012; 7(10):e46688). Based on the available evidence, the clinical significance of this variant remains unclear.

Center for Genomic Medicine, Rigshospitalet, Copenhagen University Hospital
Classification: Uncertain significance. Last evaluated: 2025-03-04. Review status: criteria provided, single submitter. Criteria: ACMG Guidelines, 2015. Collection method: clinical testing. Allele origin: germline.

Quest Diagnostics Nichols Institute San Juan Capistrano
Classification: Uncertain significance. Last evaluated: 2023-10-27. Review status: criteria provided, single submitter. Criteria: Quest Diagnostics criteria. Collection method: clinical testing. Allele origin: unknown.
Comment: The MSH6 c.3848_3850dup (p.Ile1283dup) variant has been reported in the published literature in individuals/families with Lynch syndrome (PMID: 27601186 (2016)). It was also reported in 3 Icelandic individuals with colorectal cancer, and observed in similar frequency in healthy controls in a case-control study (PMID: 28466842 (2017)). The frequency of this variant in the general population, 0.000054 (7/128874 chromosomes (Genome Aggregation Database)), is uninformative in the assessment of its pathogenicity. Based on the available information, we are unable to determine the clinical significance of this variant.

All of Us Research Program, National Institutes of Health
Classification: Uncertain significance for Lynch syndrome. Last evaluated: 2023-10-06. Review status: criteria provided, single submitter. Criteria: ACMG Guidelines, 2015. Collection method: clinical testing. Allele origin: germline. Inheritance: Autosomal dominant inheritance. Observed: 6 variant alleles, 6 heterozygotes.
Comment: This variant causes an in-frame duplication of one amino acid of the MSH6 protein. Splice site prediction tools suggest that this variant may not impact RNA splicing. To our knowledge, functional studies have not been performed for this variant. This variant has been reported in individuals affected with Lynch syndrome-associated disease or suspected of Lynch syndrome (PMID: 24689082, 27601186, 28466842). However, several individuals affected with colorectal cancer had tumors that displayed intact protein via immunohistochemistry analysis and the variant has also been identified in healthy controls, with no significant association with colorectal cancer found in the study population (PMID: 28466842). This variant has been identified in 7/282272 chromosomes in the general population by the Genome Aggregation Database (gnomAD). The available evidence is insufficient to determine the role of this variant in disease conclusively. Therefore, this variant is classified as a Variant of Uncertain Significance.

This study involves interpretation of variants in research participants for the purpose of population health screening. Participant phenotype was not available at the time of variant classification. Additional details can be found in publication PMID: 35346344, PMCID: PMC8962531

GeneDx
Classification: Uncertain significance. Last evaluated: 2023-06-05. Review status: criteria provided, single submitter. Criteria: GeneDx Variant Classification Process June 2021. Collection method: clinical testing. Allele origin: germline. Affected: yes.
Comment: In-frame duplication of 1 amino acid in a non-repeat region; Observed in at least two individuals suspected of having Lynch syndrome, and was identified at similar frequencies between Icelandic colorectal cancer patients and controls (p=0.69) (Lagerstedt-Robinson et al., 2016; Haraldsdottir et al., 2017); This variant is associated with the following publications: (PMID: 24689082, 28466842, 17531815, 21120944, 27601186)

Women's Health and Genetics/Laboratory Corporation of America, LabCorp
Classification: Uncertain significance. Last evaluated: 2021-09-14. Review status: criteria provided, single submitter. Criteria: LabCorp Variant Classification Summary - May 2015. Collection method: clinical testing. Allele origin: germline.
Comment: Variant summary: MSH6 c.3848_3850dupTTA (p.Ile1283dup) results in an in-frame duplication with the insertion of one amino acid into the C-terminal domain of the MSH6 protein (IPR000432). The variant allele was found at a frequency of 2.5e-05 in 282272 control chromosomes, predominantly found in the European subpopulation with an allele frequency of 5.4e-05 in the gnomAD database. However, the variant was found at an even higher frequency in the Swedish (5/26108 alleles; allele frequency of ~0.0002); and this frequency is higher than the maximum expected for a pathogenic variant in MSH6 causing Lynch Syndrome phenotype (0.00014), suggesting a benign role for the variant. The variant, c.3848_3850dupTTA, has been reported in the literature in Scandinavian individuals affected with colon cancer and suspected Lynch syndrome (Hansen_2014, Lagerstedt-Robinson_2016, Haraldsdottir_2017), but was also reported to be found with similar allele frequencies among healthy Icelandic controls (Haraldsdottir_2017). These reports do not provide unequivocal conclusions about association of the variant with Lynch Syndrome. To our knowledge, no experimental evidence demonstrating an impact on protein function has been reported. Four clinical diagnostic laboratories have submitted clinical-significance assessments for this variant to ClinVar after 2014 without evidence for independent evaluation. All laboratories classified the variant as uncertain significance. Based on the evidence outlined above, the variant was classified as uncertain significance.

Literature cited by the submitters: PubMed 24689082 (cited by 5 submitters); PubMed 27601186 (cited by 6 submitters); PubMed 28466842 (cited by 6 submitters).

NM_000179.3(MSH6):c.3848_3850dup (p.Ile1283dup)

Gene: MSH6 (mutS homolog 6; plus strand). Cytogenetic location: 2p16.3.
Variant type: Duplication.
Coding change: c.3848_3850dup on transcript NM_000179.3 (MANE Select); coding-DNA positions 3848 to 3850, 3 bases duplicated (TTA; older notation c.3848_3850dupTTA).
Protein change: p.Ile1283dup; duplicates isoleucine 1283.
Molecular consequence: inframe insertion.
Genome position (GRCh38, 1-based): chr2:47,806,498-47,806,500, TTA duplicated; duplicating any 3 consecutive bases within chr2:47,806,496-47,806,500 gives the same sequence; the c. name uses the placement nearest the transcript's 3' end. VCF-style (leftmost placement, unchanged base first): chr2-47806495-C-CTAT. GRCh37 (hg19) VCF-style: chr2-48033634-C-CTAT.
Other names: c.3458_3460dup, p.Ile1153dup (NM_001281492.2); c.2942_2944dup, p.Ile981dup (NM_001281493.2, NM_001281494.2); c.3848_3850dupTTA (NM_000179.3, NM_000179.2).
Identifiers: ClinVar variation 410530 (VCV000410530.39), dbSNP rs1553333420, ClinGen allele CA072217.
Genomic context (GRCh38, chr2:47,806,495, plus strand): 5'-TATTTTTCTTTCTTAAGGCATGCATGGTAGAAAATGAATGTGAAGACCCCAGCCAGGAGA[C>CTAT]TATTACGTTCCTCTATAAATTCATTAAGGGAGCTTGTCCTAAAAGCTATGGCTTTAATGC-3'